The following is an entry in ClinVar:

NC_000005.9:g.(?_114951906)_(114961489_?)dup

Genes: TMED7 (transmembrane p24 trafficking protein 7; minus strand), TMED7-TICAM2 (TMED7-TICAM2 readthrough; minus strand). Cytogenetic location: 5q22.3.
Variant type: Duplication.
Identifiers: ClinVar variation 2427581 (VCV002427581.4).

ClinVar aggregate classification (germline): Uncertain significance (1 of 4 stars; one submission).

Submission:

Labcorp Genetics (formerly Invitae), Labcorp
Classification: Uncertain significance. Last evaluated: 2023-06-13. Review status: criteria provided, single submitter. Criteria: Invitae Variant Classification Sherloc (09022015). Collection method: clinical testing. Allele origin: germline.
Comment: In summary, the available evidence is currently insufficient to determine the role of this variant in disease. Therefore, it has been classified as a Variant of Uncertain Significance. This variant has not been reported in the literature in individuals affected with TMED7-related conditions. A copy number gain of the genomic region encompassing the full coding sequence of the TMED7 gene has been identified. The boundaries of this event are unknown as they extend beyond the assayed region for this gene and therefore may encompass additional genes. As the precise location of this event is unknown, it may be in tandem or it may be located elsewhere in the genome.